The following is an entry in ClinVar:

NM_001358530.2(MOCS1):c.368G>A (p.Arg123Gln)

Gene: MOCS1 (molybdenum cofactor synthesis 1; minus strand). Cytogenetic location: 6p21.2.
Variant type: single nucleotide variant.
Coding change: c.368G>A on transcript NM_001358530.2 (MANE Select); coding-DNA position 368, G replaced by A.
Protein change: p.Arg123Gln; replaces arginine 123 with glutamine.
Molecular consequence: missense variant. On other transcripts: non-coding transcript variant (1).
Genome position (GRCh38, 1-based): chr6:39,925,728, C>T on the plus strand (G>A on the coding strand, the complement: MOCS1 is on the minus strand). VCF-style: chr6-39925728-C-T. GRCh37 (hg19) VCF-style: chr6-39893472-C-T.
Other names: c.368G>A, p.Arg123Gln (NM_001075098.4, NM_001358529.2, NM_005943.6); c.107G>A, p.Arg36Gln (NM_001358531.2, NM_001358533.2, NM_001358534.2); c.368G>A (NM_005943.5); short protein forms R123Q, R36Q.
Identifiers: ClinVar variation 1504156 (VCV001504156.8), dbSNP rs567945725, ClinGen allele CA3796326.
Genomic context (GRCh38, chr6:39,925,728, plus strand): 5'-TCCAACTCACCCACAATGTCCACCACGTCCGGCCGGATAAGCGGCTCTCCACCTGTGAGC[C>T]GGATCTTGTCGATGCCTTCCTTCACAAAGAGCCGGGCGAGGGTCAGGATCTCCTCTGTGG-3'
Protein context (NP_001345459.1, residues 113-133): LFVKEGIDKI[Arg123Gln]LTGGEPLIRP

ClinVar aggregate classification (germline): Uncertain significance. Review status: criteria provided, multiple submitters, no conflicts (2 of 4 stars). 3 submissions from 3 submitters: Uncertain significance (3). Last evaluated 2024-03-04.

Conditions:
Inborn genetic diseases. Identifiers: MedGen C0950123, MeSH D030342.
Sulfite oxidase deficiency due to molybdenum cofactor deficiency type A. Also called: Molybdenum Cofactor Deficiency A; Molybdenum cofactor deficiency, complementation group A. Identifiers: Orphanet 308386, Orphanet 833, MedGen C1854988, MONDO:0009643, OMIM 252150.

Allele frequency attached by ClinVar (database versions not stated): gnomAD 0.00001 and 0.00003; TOPMed 0.00003; ExAC 0.00004; gnomAD exomes 0.00004 and 0.00005; 1000 Genomes Project 30x 0.00016; 1000 Genomes Project 0.00020.
gnomAD v4.1: 55 of 1,612,828 alleles (0.0034%); highest among the groups gnomAD compares: South Asian, 0.02%; no homozygotes.

Submissions (3):

Fulgent Genetics
Classification: Uncertain significance for Sulfite oxidase deficiency due to molybdenum cofactor deficiency type A. Last evaluated: 2024-03-04. Review status: criteria provided, single submitter. Criteria: ACMG Guidelines, 2015. Collection method: clinical testing. Allele origin: germline.

Ambry Genetics
Classification: Uncertain significance for Inborn genetic diseases. Last evaluated: 2023-08-08. Review status: criteria provided, single submitter. Criteria: Ambry Variant Classification Scheme 2023. Collection method: clinical testing. Allele origin: germline.

Labcorp Genetics (formerly Invitae), Labcorp
Classification: Uncertain significance for Sulfite oxidase deficiency due to molybdenum cofactor deficiency type A. Last evaluated: 2022-07-29. Review status: criteria provided, single submitter. Criteria: Invitae Variant Classification Sherloc (09022015). Collection method: clinical testing. Allele origin: germline.
Comment: This sequence change replaces arginine, which is basic and polar, with glutamine, which is neutral and polar, at codon 123 of the MOCS1 protein (p.Arg123Gln). This variant is present in population databases (rs567945725, gnomAD 0.02%). This variant has not been reported in the literature in individuals affected with MOCS1-related conditions. ClinVar contains an entry for this variant (Variation ID: 1504156). Algorithms developed to predict the effect of missense changes on protein structure and function are either unavailable or do not agree on the potential impact of this missense change (SIFT: "Not Available"; PolyPhen-2: "Possibly Damaging"; Align-GVGD: "Not Available"). In summary, the available evidence is currently insufficient to determine the role of this variant in disease. Therefore, it has been classified as a Variant of Uncertain Significance.